The following is an entry in ClinVar:

ClinVar aggregate classification (germline): Uncertain significance (1 of 4 stars; one submission).

Submission:

Labcorp Genetics (formerly Invitae), Labcorp
Classification: Uncertain significance. Last evaluated: 2021-07-28. Review status: criteria provided, single submitter. Criteria: Invitae Variant Classification Sherloc (09022015). Collection method: clinical testing. Allele origin: germline.
Comment: In summary, the available evidence is currently insufficient to determine the role of this variant in disease. Therefore, it has been classified as a Variant of Uncertain Significance. Advanced modeling of protein sequence and biophysical properties (such as structural, functional, and spatial information, amino acid conservation, physicochemical variation, residue mobility, and thermodynamic stability) performed at Invitae indicates that this missense variant is not expected to disrupt COL9A1 protein function. This variant has not been reported in the literature in individuals affected with COL9A1-related conditions. This variant is not present in population databases (ExAC no frequency). This sequence change replaces glutamic acid with aspartic acid at codon 455 of the COL9A1 protein (p.Glu455Asp). The glutamic acid residue is moderately conserved and there is a small physicochemical difference between glutamic acid and aspartic acid.

NM_001851.6(COL9A1):c.1365A>T (p.Glu455Asp)

Gene: COL9A1 (collagen type IX alpha 1 chain; minus strand). Cytogenetic location: 6q13.
Variant type: single nucleotide variant.
Coding change: c.1365A>T on transcript NM_001851.6 (MANE Select); coding-DNA position 1365, A replaced by T.
Protein change: p.Glu455Asp; replaces glutamic acid 455 with aspartic acid.
Molecular consequence: missense variant. On other transcripts: non-coding transcript variant (1).
Genome position (GRCh38, 1-based): chr6:70,263,274, T>A on the plus strand (A>T on the coding strand, the complement: COL9A1 is on the minus strand). VCF-style: chr6-70263274-T-A. GRCh37 (hg19) VCF-style: chr6-70972977-T-A.
Other names: c.636A>T, p.Glu212Asp (NM_001377289.1, NM_001377290.1, NM_078485.4); short protein forms E212D, E455D.
Identifiers: ClinVar variation 1508587 (VCV001508587.5), dbSNP rs1468996914, ClinGen allele CA364679649.
Genomic context (GRCh38, chr6:70,263,274, plus strand): 5'-TAGTTAAATATTTTTTAAAAAATACTTTACTGGAGGTCCTTGAGCTCCAACTTCTCCGAG[T>A]TCTCCCTGGTCACCTTCTTCACCCTAAAGAAAAAAAAGAAAAAAGAAAAGCACACCAAAT-3'
Protein context (NP_001842.3, residues 445-465): GHKGEEGDQG[Glu455Asp]LGEVGAQGPP